The following is an entry in ClinVar:

ClinVar aggregate classification (germline): Uncertain significance. Review status: criteria provided, multiple submitters, no conflicts (2 of 4 stars). 7 submissions from 7 submitters: Uncertain significance (7). Last evaluated 2026-01-19.

Conditions:
Hereditary cancer-predisposing syndrome. Also called: Neoplastic Syndromes, Hereditary; Hereditary Cancer Syndrome; Tumor predisposition; Hereditary neoplastic syndrome. Identifiers: Orphanet 140162, MedGen C0027672, MeSH D009386, MONDO:0015356.
Multiple endocrine neoplasia, type 2 (MEN2). Identifiers: Orphanet 653, MedGen C4048306, MONDO:0019003. Disease mechanism: gain of function.
Pheochromocytoma. Also called: MAX-Related Hereditary Paraganglioma-Pheochromocytoma Syndrome. Identifiers: Orphanet 29072, MedGen C0031511, MONDO:0008233, OMIM 171300, HP:0002666.
Familial medullary thyroid carcinoma (MTC). Also called: Thyroid cancer, familial medullary; MTC, familial; Familial Medullary Thyroid Carcinoma (FMTC). Identifiers: Orphanet 653, Orphanet 99361, MedGen C1833921, MONDO:0007958, OMIM 155240.
Multiple endocrine neoplasia type 2B. Also called: Multiple endocrine neoplasia, type 3; MULTIPLE ENDOCRINE NEOPLASIA, TYPE IIB; MUCOSAL NEUROMA SYNDROME; MEN 2B; Multiple Endocrine Neoplasia Type 2B (MEN2B); MEN IIB. Identifiers: Orphanet 247709, Orphanet 653, MedGen C0025269, MeSH D018814, MONDO:0008082, OMIM 162300.
Multiple endocrine neoplasia type 2A. Also called: MULTIPLE ENDOCRINE NEOPLASIA, TYPE IIA; PTC SYNDROME; SIPPLE SYNDROME; MEN 2A; MEN-2A syndrome; Pheochromocytoma and amyloid producing medullary thyroid carcinoma. Identifiers: Orphanet 247698, Orphanet 653, MedGen C0025268, MeSH D018813, MONDO:0008234, OMIM 171400.
Hirschsprung disease, susceptibility to, 1 (HSCR1). Also called: RET-Related Hirschsprung Disease. Identifiers: Orphanet 388, MedGen C3888239, MONDO:0007723, OMIM 142623.

Allele frequency attached by ClinVar (database versions not stated): ExAC 0.00001; gnomAD 0.00001; gnomAD exomes 0.00001 and 0.00002; TOPMed 0.00002.
gnomAD v4.1: 35 of 1,614,022 alleles (0.0022%); highest among the groups gnomAD compares: Non-Finnish European, 0.003%; no homozygotes.

Submissions (7):

Labcorp Genetics (formerly Invitae), Labcorp
Classification: Uncertain significance for Multiple endocrine neoplasia, type 2. Last evaluated: 2026-01-19. Review status: criteria provided, single submitter. Criteria: Invitae Variant Classification Sherloc (09022015). Collection method: clinical testing. Allele origin: germline.
Comment: This sequence change replaces proline, which is neutral and non-polar, with histidine, which is basic and polar, at codon 117 of the RET protein (p.Pro117His). This variant is present in population databases (rs763295929, gnomAD 0.002%). This variant has not been reported in the literature in individuals affected with RET-related conditions. ClinVar contains an entry for this variant (Variation ID: 543735). An algorithm developed to predict the effect of missense changes on protein structure and function (PolyPhen-2) suggests that this variant is likely to be disruptive. In summary, the available evidence is currently insufficient to determine the role of this variant in disease. Therefore, it has been classified as a Variant of Uncertain Significance.

Ambry Genetics
Classification: Uncertain significance for Hereditary cancer-predisposing syndrome. Last evaluated: 2025-10-21. Review status: criteria provided, single submitter. Criteria: Ambry Variant Classification Scheme 2023. Collection method: clinical testing. Allele origin: germline.
Comment: The p.P117H variant (also known as c.350C>A), located in coding exon 3 of the RET gene, results from a C to A substitution at nucleotide position 350. The proline at codon 117 is replaced by histidine, an amino acid with similar properties. Based on data from gnomAD, the frequency for this variant is above the maximum credible frequency for a MEN2-causing variant in this gene based on internally established thresholds (Karczewski et al. Nature. 2020 May;581(7809):434-443; Whiffin et al. Genet Med. 2017 10;19:1151-1158). This amino acid position is highly conserved in available vertebrate species. In addition, the in silico prediction for this alteration is inconclusive. Based on the supporting evidence, the association of this alteration with Hirschsprung disease is unknown; however, the association of this alteration with MEN2 is unlikely.

ARUP Laboratories, Molecular Genetics and Genomics, ARUP Laboratories
Classification: Uncertain significance. Last evaluated: 2025-05-28. Review status: criteria provided, single submitter. Criteria: ARUP Molecular Germline Variant Investigation Process 2024. Collection method: clinical testing. Allele origin: germline.
Comment: The RET c.350C>A; p.Pro117His variant (rs763295929, ClinVar Variation ID: 543735) is reported in the literature in individuals affected with acute lymphoblastic leukemia and colon adenocarcinoma but without evidence of causality (Winer 2020, Yehia 2018). This variant is found in the non-Finnish European population with an allele frequency of 0.003% (3/113,168) in the Genome Aggregation Database (v2.1.1). Computational analyses are uncertain whether this variant is neutral or deleterious (REVEL: 0.533). Due to limited information, the clinical significance of this variant is uncertain at this time. References: Winer P et al. Germline variants in predisposition genes in children with Down syndrome and acute lymphoblastic leukemia. Blood Adv. 2020 Feb 25;4(4):672-675. PMID: 32084258. Yehia L et al. Unexpected cancer-predisposition gene variants in Cowden syndrome and Bannayan-Riley-Ruvalcaba syndrome patients without underlying germline PTEN mutations. PLoS Genet. 2018 Apr 23;14(4):e1007352. PMID: 29684080.

Baylor Genetics
Classification: Uncertain significance for Hirschsprung disease, susceptibility to, 1. Last evaluated: 2024-01-22. Review status: criteria provided, single submitter. Criteria: ACMG Guidelines, 2015. Collection method: clinical testing. Allele origin: unknown.

All of Us Research Program, National Institutes of Health
Classification: Uncertain significance for Multiple endocrine neoplasia, type 2. Last evaluated: 2023-12-18. Review status: criteria provided, single submitter. Criteria: ACMG Guidelines, 2015. Collection method: clinical testing. Allele origin: germline. Inheritance: Autosomal dominant inheritance. Observed: 6 variant alleles, 6 heterozygotes.
Comment: This missense variant replaces proline with histidine at codon 117 of the RET protein. Computational prediction is inconclusive regarding the impact of this variant on protein structure and function (internally defined REVEL score threshold 0.5 < inconclusive < 0.7, PMID: 27666373). To our knowledge, functional studies have not been reported for this variant. This variant has been reported in an individual affected with acute lymphoblastic leukemia (PMID: 32084258). This variant has been identified in 3/250788 chromosomes in the general population by the Genome Aggregation Database (gnomAD). The available evidence is insufficient to determine the role of this variant in disease conclusively. Therefore, this variant is classified as a Variant of Uncertain Significance.

This study involves interpretation of variants in research participants for the purpose of population health screening. Participant phenotype was not available at the time of variant classification. Additional details can be found in publication PMID: 35346344, PMCID: PMC8962531

Color Diagnostics, LLC DBA Color Health
Classification: Uncertain significance for Multiple endocrine neoplasia, type 2. Last evaluated: 2023-11-29. Review status: criteria provided, single submitter. Criteria: ACMG Guidelines, 2015. Collection method: clinical testing. Allele origin: germline.
Comment: This missense variant replaces proline with histidine at codon 117 of the RET protein. Computational prediction is inconclusive regarding the impact of this variant on protein structure and function. To our knowledge, functional studies have not been reported for this variant. This variant has been reported in an individual affected with acute lymphoblastic leukemia (PMID: 32084258). This variant has been identified in 3/250788 chromosomes in the general population by the Genome Aggregation Database (gnomAD). The available evidence is insufficient to determine the role of this variant in disease conclusively. Therefore, this variant is classified as a Variant of Uncertain Significance.

Fulgent Genetics
Classification: Uncertain significance for Hirschsprung disease, susceptibility to, 1; Familial medullary thyroid carcinoma; Multiple endocrine neoplasia type 2B; Pheochromocytoma; Multiple endocrine neoplasia type 2A. Last evaluated: 2021-10-25. Review status: criteria provided, single submitter. Criteria: ACMG Guidelines, 2015. Collection method: clinical testing. Allele origin: unknown.

Literature cited by the submitters: PubMed 32084258 (cited by All of Us Research Program, National Institutes of Health and Color Diagnostics, LLC DBA Color Health).

NM_020975.6(RET):c.350C>A (p.Pro117His)

Gene: RET (ret proto-oncogene; plus strand). Cytogenetic location: 10q11.21.
Variant type: single nucleotide variant.
Coding change: c.350C>A on transcript NM_020975.6 (MANE Select); coding-DNA position 350, C replaced by A.
Protein change: p.Pro117His; replaces proline 117 with histidine.
Molecular consequence: missense variant.
Genome position (GRCh38, 1-based): chr10:43,102,354, C>A. VCF-style: chr10-43102354-C-A. GRCh37 (hg19) VCF-style: chr10-43597802-C-A.
Other names: c.350C>A, p.Pro117His (NM_000323.2, NM_001406743.1, NM_001406744.1 and 16 more transcripts); short protein forms P117H.
Identifiers: ClinVar variation 543735 (VCV000543735.21), dbSNP rs763295929, ClinGen allele CA043440.